The following is an entry in ClinVar:

NC_000001.11:g.230705933C>T

Gene: AGT (angiotensinogen; minus strand). Cytogenetic location: 1q42.2.
Variant type: single nucleotide variant.
Genome position: GRCh38 VCF-style: chr1-230705933-C-T. GRCh37 (hg19) VCF-style: chr1-230841679-C-T.
Other names: R375Q; NM_000029.3:c.1124G>A.
Identifiers: ClinVar variation 18070 (VCV000018070.6), dbSNP rs74315283, ClinGen allele CA127786.
Genomic context (GRCh38, chr1:230,705,933, plus strand): 5'-CCCCAGCCTGGGCAGGACAGTGTGGCTCCCACATTCCAGGGGAGACCGGGAGGCTCCTAC[C>T]GGGGAGATAGTTTCTTCATCCAGTTGAGGGAGTTTTGCTGGAAAGTGAGACCCTCCACCT-3'

ClinVar aggregate classification (germline): Pathogenic/Likely pathogenic. Review status: criteria provided, multiple submitters, no conflicts (2 of 4 stars). 4 submissions from 4 submitters: Pathogenic (1); Likely pathogenic (2). 1 of the submissions does not count toward it. Last evaluated 2025-04-17.

Conditions:
AGT-related disorder. Also called: AGT-related condition.
Renal tubular dysgenesis. Also called: Renotubular dysgenesis. Identifiers: Orphanet 3033, MedGen C0266313, MONDO:0017609, HP:0008660.

Allele frequency attached by ClinVar (database versions not stated): gnomAD 0.00003; TOPMed 0.00003; ExAC 0.00005.
gnomAD v4.1: 22 of 1,613,992 alleles (0.0014%); highest among the groups gnomAD compares: African/African-American, 0.011%; no homozygotes.

Submissions (4):

PreventionGenetics, part of Exact Sciences
Classification: Likely pathogenic for AGT-related condition. Last evaluated: 2025-04-17. Review status: criteria provided, single submitter. Criteria: ACMG Guidelines, 2015. Collection method: clinical testing. Allele origin: germline.
Comment: The AGT c.1124G>A variant is predicted to result in the amino acid substitution p.Arg375Gln. This variant is located at the last nucleotide of the exon and may impact splicing (Alamut Visual v1.6.1). This variant has been reported in the homozygous state in two siblings with renal tubular dysgenesis in a segregation study (Gribouval et al. 2005. PubMed ID: 16116425. Fig. S1; Lacoste et al. 2006. PubMed ID: 16790508. Both are from the same lab). A functional study showed that this variant may lead to diminished interaction with renin and decreased angiotensin I and angiotensin II (Tseng et al. 2020. PubMed ID: 33163725). This variant is reported in 0.016% of alleles in individuals of African descent in gnomAD and is interpreted as pathogenic in ClinVar. This variant is interpreted as likely pathogenic.

GeneDx
Classification: Likely pathogenic. Last evaluated: 2024-11-08. Review status: criteria provided, single submitter. Criteria: GeneDx Variant Classification Process June 2021. Collection method: clinical testing. Allele origin: germline. Affected: yes.
Comment: Published functional studies demonstrate that this variant affects splicing and results in protein truncation (PMID: 16116425); In silico analysis supports a deleterious effect on splicing; In silico analysis indicates that this missense variant does not alter protein structure/function; This variant is associated with the following publications: (PMID: 16116425, 17443344, 22095942, 34426522)

Institute of Human Genetics Munich, TUM University Hospital
Classification: Pathogenic for Renal tubular dysgenesis of genetic origin. Last evaluated: 2020-01-07. Review status: criteria provided, single submitter. Criteria: Classification criteria August 2017. Collection method: clinical testing. Allele origin: inherited. Inheritance: Autosomal recessive inheritance. Affected: yes. Observed: 1 homozygote.

OMIM
Classification: Pathogenic for RENAL TUBULAR DYSGENESIS. Last evaluated: 2005-09-01. Review status: no assertion criteria provided. Collection method: literature only. Allele origin: germline. Not counted in ClinVar's aggregate classification.

Literature cited by the submitters: PubMed 16116425 (cited by OMIM); PubMed 11770813 (cited by OMIM).